The following is an entry in ClinVar:

ClinVar aggregate classification (germline): Uncertain significance (1 of 4 stars; one submission).

Conditions:
Aicardi-Goutieres syndrome 3. Identifiers: Orphanet 51, MedGen C1835916, MONDO:0012471, OMIM 610329.

Allele frequency attached by ClinVar (database versions not stated): gnomAD 0.00001.

Submission:

Labcorp Genetics (formerly Invitae), Labcorp
Classification: Uncertain significance for Aicardi-Goutieres syndrome 3. Last evaluated: 2020-12-21. Review status: criteria provided, single submitter. Criteria: Invitae Variant Classification Sherloc (09022015). Collection method: clinical testing. Allele origin: germline.
Comment: In summary, the available evidence is currently insufficient to determine the role of this variant in disease. Therefore, it has been classified as a Variant of Uncertain Significance. Algorithms developed to predict the effect of missense changes on protein structure and function output the following: SIFT: "Tolerated"; PolyPhen-2: "Benign"; Align-GVGD: "Class C0". The arginine amino acid residue is found in multiple mammalian species, suggesting that this missense change does not adversely affect protein function. These predictions have not been confirmed by published functional studies and their clinical significance is uncertain. This variant has not been reported in the literature in individuals with RNASEH2C-related conditions. This variant is not present in population databases (ExAC no frequency). This sequence change replaces glycine with arginine at codon 4 of the RNASEH2C protein (p.Gly4Arg). The glycine residue is weakly conserved and there is a moderate physicochemical difference between glycine and arginine.

NM_032193.4(RNASEH2C):c.10G>C (p.Gly4Arg)

Gene: RNASEH2C (ribonuclease H2 subunit C; minus strand). Cytogenetic location: 11q13.1.
Variant type: single nucleotide variant.
Coding change: c.10G>C on transcript NM_032193.4 (MANE Select); coding-DNA position 10, G replaced by C.
Protein change: p.Gly4Arg; replaces glycine 4 with arginine.
Molecular consequence: missense variant.
Genome position (GRCh38, 1-based): chr11:65,720,749, C>G on the plus strand (G>C on the coding strand, the complement: RNASEH2C is on the minus strand). VCF-style: chr11-65720749-C-G. GRCh37 (hg19) VCF-style: chr11-65488220-C-G.
Other names: short protein forms G4R.
Identifiers: ClinVar variation 1372508 (VCV001372508.6), dbSNP rs1857363681, ClinGen allele CA381299756.